The following is an entry in ClinVar:

ClinVar aggregate classification (germline): Uncertain significance (1 of 4 stars; one submission).

Conditions:
Rubinstein-Taybi syndrome due to EP300 haploinsufficiency. Also called: EP300-Related Rubinstein-Taybi Syndrome; RUBINSTEIN-TAYBI SYNDROME 2. Identifiers: Orphanet 353284, Orphanet 783, MedGen C3150941, MONDO:0013364, OMIM 613684.

Submission:

Labcorp Genetics (formerly Invitae), Labcorp
Classification: Uncertain significance for Rubinstein-Taybi syndrome due to EP300 haploinsufficiency. Last evaluated: 2024-08-27. Review status: criteria provided, single submitter. Criteria: Invitae Variant Classification Sherloc (09022015). Collection method: clinical testing. Allele origin: germline.
Comment: This sequence change replaces leucine, which is neutral and non-polar, with phenylalanine, which is neutral and non-polar, at codon 528 of the EP300 protein (p.Leu528Phe). This variant is not present in population databases (gnomAD no frequency). This variant has not been reported in the literature in individuals affected with EP300-related conditions. Invitae Evidence Modeling of protein sequence and biophysical properties (such as structural, functional, and spatial information, amino acid conservation, physicochemical variation, residue mobility, and thermodynamic stability) indicates that this missense variant is not expected to disrupt EP300 protein function with a negative predictive value of 80%. In summary, the available evidence is currently insufficient to determine the role of this variant in disease. Therefore, it has been classified as a Variant of Uncertain Significance.

NM_001429.4(EP300):c.1582C>T (p.Leu528Phe)

Gene: EP300 (EP300 lysine acetyltransferase; plus strand). Cytogenetic location: 22q13.2.
Variant type: single nucleotide variant.
Coding change: c.1582C>T on transcript NM_001429.4 (MANE Select); coding-DNA position 1582, C replaced by T.
Protein change: p.Leu528Phe; replaces leucine 528 with phenylalanine.
Molecular consequence: missense variant.
Genome position (GRCh38, 1-based): chr22:41,135,866, C>T. VCF-style: chr22-41135866-C-T. GRCh37 (hg19) VCF-style: chr22-41531870-C-T.
Other names: c.1582C>T, p.Leu528Phe (NM_001362843.2); short protein forms L528F.
Identifiers: ClinVar variation 3660538 (VCV003660538.2).